The following is an entry in ClinVar:

NM_007194.4(CHEK2):c.639T>C (p.Pro213=)

Gene: CHEK2 (checkpoint kinase 2; minus strand). Cytogenetic location: 22q12.1.
Variant type: single nucleotide variant.
Coding change: c.639T>C on transcript NM_007194.4 (MANE Select); coding-DNA position 639, T replaced by C.
Protein change: p.Pro213=; no amino-acid change (proline 213 retained).
Molecular consequence: synonymous variant. On other transcripts: 5 prime UTR variant (2), intron variant (1).
Genome position (GRCh38, 1-based): chr22:28,719,439, A>G on the plus strand (T>C on the coding strand, the complement: CHEK2 is on the minus strand). VCF-style: chr22-28719439-A-G. GRCh37 (hg19) VCF-style: chr22-29115427-A-G.
Other names: c.768T>C, p.Pro256= (NM_001005735.3, NM_001438294.1); c.-25T>C (NM_001257387.3, NM_001437942.1); c.732T>C, p.Pro244= (NM_001438293.1, NM_001438295.1); c.639T>C, p.Pro213= (NM_145862.3); c.482+5447T>C (NM_001349956.3).
Identifiers: ClinVar variation 1753287 (VCV001753287.3), dbSNP rs2518009556, ClinGen allele CA513945253.

ClinVar aggregate classification (germline): Benign/Likely benign. Review status: criteria provided, multiple submitters, no conflicts (2 of 4 stars). 2 submissions from 2 submitters: Benign (1); Likely benign (1). Last evaluated 2024-10-03.

Conditions:
Hereditary cancer-predisposing syndrome. Also called: Neoplastic Syndromes, Hereditary; Tumor predisposition; Hereditary Cancer Syndrome; Hereditary neoplastic syndrome. Identifiers: Orphanet 140162, MedGen C0027672, MeSH D009386, MONDO:0015356.
Familial cancer of breast. Also called: BREAST CANCER, FAMILIAL; hereditary breast carcinoma; Hereditary breast cancer. Identifiers: Orphanet 227535, MedGen C0346153, MONDO:0016419, OMIM 114480. Disease mechanism: loss of function.

Submissions (2):

Myriad Genetics, Inc.
Classification: Benign for Familial cancer of breast. Last evaluated: 2024-10-03. Review status: criteria provided, single submitter. Criteria: Myriad Autosomal Dominant, Autosomal Recessive and X-Linked Classification Criteria (2023). Collection method: clinical testing. Allele origin: unknown.
Comment: This variant is considered benign. This variant is a silent/synonymous amino acid change and it is not expected to impact splicing.

Ambry Genetics
Classification: Likely benign for Hereditary cancer-predisposing syndrome. Last evaluated: 2021-10-05. Review status: criteria provided, single submitter. Criteria: Ambry Variant Classification Scheme 2023. Collection method: clinical testing. Allele origin: germline.